The following is an entry in ClinVar:

NM_016188.5(ACTL6B):c.652T>C (p.Tyr218His)

Gene: ACTL6B (actin like 6B; minus strand). Cytogenetic location: 7q22.1.
Variant type: single nucleotide variant.
Coding change: c.652T>C on transcript NM_016188.5 (MANE Select); coding-DNA position 652, T replaced by C.
Protein change: p.Tyr218His; replaces tyrosine 218 with histidine.
Molecular consequence: missense variant. On other transcripts: non-coding transcript variant (1).
Genome position (GRCh38, 1-based): chr7:100,648,573, A>G on the plus strand (T>C on the coding strand, the complement: ACTL6B is on the minus strand). VCF-style: chr7-100648573-A-G. GRCh37 (hg19) VCF-style: chr7-100246196-A-G.
Other names: short protein forms Y218H.
Identifiers: ClinVar variation 1335955 (VCV001335955.7), dbSNP rs747962927, ClinGen allele CA4387204.

ClinVar aggregate classification (germline): Conflicting classifications of pathogenicity. Review status: criteria provided, conflicting classifications (1 of 4 stars). 2 submissions from 2 submitters: Likely pathogenic (1); Uncertain significance (1). Last evaluated 2021-05-07.

Allele frequency attached by ClinVar (database versions not stated): gnomAD exomes 0.00001 and 0.00003; ExAC 0.00003.
gnomAD v4.1: 7 of 1,610,186 alleles (0.00043%); highest among the groups gnomAD compares: Admixed American, 0.012%; no homozygotes.

Submissions (2):

Genetic Services Laboratory, University of Chicago
Classification: Likely pathogenic. Last evaluated: 2021-05-07. Review status: criteria provided, single submitter. Criteria: ACMG Guidelines, 2015. Collection method: clinical testing. Allele origin: germline. Affected: yes.
Comment: DNA sequence analysis of the ACTL6B gene demonstrated a sequence change, c.652T>C, in exon 7 that results in an amino acid change, p.Tyr218His. This sequence change does not appear to have been described in the literature in other individuals with ACTL6B-related disorders. This sequence change has been described in the gnomAD database with a low frequency of 0.021% in the Latino/admixed American subpopulation only (dbSNP rs747962927). This sequence change affects a highly conserved amino acid residue located in a domain of the ACTL6B protein that is known to be functional. The p.Tyr218His substitution appears to be deleterious using several in-silico pathogenicity prediction tools (SIFT, PolyPhen2, Align GVGD, REVEL). Collectively these evidences suggest p.Tyr218His is likely pathogenic, however, functional studies have not been performed to prove this conclusively.

Revvity Omics, Revvity
Classification: Uncertain significance. Last evaluated: 2020-04-23. Review status: criteria provided, single submitter. Criteria: ACMG Guidelines, 2015. Collection method: clinical testing. Allele origin: germline.